The following is an entry in ClinVar:

NM_015895.5(GMNN):c.327G>A (p.Ala109=)

Gene: GMNN (geminin DNA replication inhibitor; plus strand). Cytogenetic location: 6p22.3.
Variant type: single nucleotide variant.
Coding change: c.327G>A on transcript NM_015895.5 (MANE Select); coding-DNA position 327, G replaced by A.
Protein change: p.Ala109=; no amino-acid change (alanine 109 retained).
Molecular consequence: synonymous variant.
Genome position (GRCh38, 1-based): chr6:24,784,139, G>A. VCF-style: chr6-24784139-G-A. GRCh37 (hg19) VCF-style: chr6-24784367-G-A.
Other names: c.327G>A, p.Ala109= (NM_001251989.2, NM_001251990.2, NM_001251991.1).
Identifiers: ClinVar variation 726182 (VCV000726182.24), dbSNP rs145822661, ClinGen allele CA3658881.

ClinVar aggregate classification (germline): Benign/Likely benign. Review status: criteria provided, multiple submitters, no conflicts (2 of 4 stars). 3 submissions from 3 submitters: Benign (1); Likely benign (2). Last evaluated 2025-12-24.

Allele frequency attached by ClinVar (database versions not stated): TOPMed 0.00007; ESP Exome Variant Server 0.00008; 1000 Genomes Project 0.00020; 1000 Genomes Project 30x 0.00031.
gnomAD v4.1: 121 of 1,524,470 alleles (0.0079%); highest among the groups gnomAD compares: Middle Eastern, 0.12%; no homozygotes.

Submissions (3):

Labcorp Genetics (formerly Invitae), Labcorp
Classification: Benign. Last evaluated: 2025-12-24. Review status: criteria provided, single submitter. Criteria: Invitae Variant Classification Sherloc (09022015). Collection method: clinical testing. Allele origin: germline.

CeGaT Center for Human Genetics Tuebingen
Classification: Likely benign. Last evaluated: 2025-01-01. Review status: criteria provided, single submitter. Criteria: CeGaT Center For Human Genetics Tuebingen Variant Classification Criteria Version 2. Collection method: clinical testing. Allele origin: germline. Affected: yes. Observed: 1 variant allele.
Comment: GMNN: BP4, BP7

Blueprint Genetics
Classification: Likely benign. Last evaluated: 2024-08-28. Review status: criteria provided, single submitter. Criteria: ACMG Guidelines, 2015. Collection method: clinical testing. Allele origin: germline.